The following is an entry in ClinVar:

NM_001122764.3(PPOX):c.122G>A (p.Gly41Asp)

Gene: PPOX (protoporphyrinogen oxidase; plus strand). Cytogenetic location: 1q23.3.
Variant type: single nucleotide variant.
Coding change: c.122G>A on transcript NM_001122764.3 (MANE Select); coding-DNA position 122, G replaced by A.
Protein change: p.Gly41Asp; replaces glycine 41 with aspartic acid.
Molecular consequence: missense variant. On other transcripts: 5 prime UTR variant (5).
Genome position (GRCh38, 1-based): chr1:161,167,134, G>A. VCF-style: chr1-161167134-G-A. GRCh37 (hg19) VCF-style: chr1-161136924-G-A.
Other names: c.122G>A, p.Gly41Asp (NM_000309.5, NM_001350128.2, NM_001365398.1 and 1 more transcripts); c.-306G>A (NM_001350129.2); c.-397G>A (NM_001350130.2); c.-283G>A (NM_001350131.2); c.-190G>A (NM_001365400.1); c.-249G>A (NM_001365401.1); short protein forms G41D.
Identifiers: ClinVar variation 5010284 (VCV005010284.1).

ClinVar aggregate classification (germline): Uncertain significance (1 of 4 stars; one submission).

Conditions:
Variegate porphyria (VP). Also called: PORPHYRIA, SOUTH AFRICAN TYPE; PROTOPORPHYRINOGEN OXIDASE DEFICIENCY; PPOX DEFICIENCY. Identifiers: Orphanet 79473, MedGen C0162532, MONDO:0008297, OMIM 176200.

Submission:

Department of Dermatology, Peking Union Medical College Hospital
Classification: Uncertain significance for Variegate porphyria. Last evaluated: 2026-08-26. Review status: criteria provided, single submitter. Criteria: ACMG Guidelines, 2015. Collection method: provider interpretation. Allele origin: germline. Inheritance: Autosomal dominant inheritance. Affected: yes. Observed: 2 variant alleles, 2 heterozygotes. Clinical features observed: Scarring (HP:0100699), Erythema (HP:0010783), Papule (HP:0200034), Skin ulcer (HP:0200042), Increased erythrocyte protoporphyrin concentration (HP:0012187).
Comment: Classified as a variant of uncertain significance using PM2_Supporting, PP3 and PP4. PM2_Supporting: NM_001122764.1:c.122G>A (p.Gly41Asp) was absent from population-based cohorts in the Genome Aggregation Database (gnomAD). PP3: multiple computational predictors supported a damaging effect (SIFT 0, PolyPhen-2 1, AlphaMissense 0.9694, ClinPred 0.9996 and MetaRNN 0.9895), and structural modelling predicted introduction of a larger negatively charged residue in the N-terminal FAD-binding region. PP4: the variant was observed in an affected proband and affected mother with phenotypes consistent with variegate porphyria. In summary, the evidence is currently insufficient for a likely pathogenic classification: PM2_Supporting, PP3 and PP4.